The following is an entry in ClinVar:

NM_000138.5(FBN1):c.5239C>A (p.Leu1747Ile)

Gene: FBN1 (fibrillin 1; minus strand). Cytogenetic location: 15q21.1.
Variant type: single nucleotide variant.
Coding change: c.5239C>A on transcript NM_000138.5 (MANE Select); coding-DNA position 5239, C replaced by A.
Protein change: p.Leu1747Ile; replaces leucine 1747 with isoleucine.
Molecular consequence: missense variant.
Genome position (GRCh38, 1-based): chr15:48,460,303, G>T on the plus strand (C>A on the coding strand, the complement: FBN1 is on the minus strand). VCF-style: chr15-48460303-G-T. GRCh37 (hg19) VCF-style: chr15-48752500-G-T.
Other names: c.5239C>A, p.Leu1747Ile (NM_001406716.1); short protein forms L1747I.
Identifiers: ClinVar variation 3072654 (VCV003072654.1), dbSNP rs1250470667, ClinGen allele CA392348076.
Genomic context (GRCh38, chr15:48,460,303, plus strand): 5'-CACCAACGGGTAAACCGGTATAAATGTCGATGACAAAGCCTGGCCTTTGACTTCCACAGA[G>T]TGTAGCAAACTCATCTGCAATGATTAAACAAAGGTGGGATGGGAGGATAGGGGTCAGCAA-3'
Protein context (NP_000129.3, residues 1737-1757): PIPSTDEFAT[Leu1747Ile]CGSQRPGFVI

ClinVar aggregate classification (germline): Uncertain significance (1 of 4 stars; one submission).

Conditions:
Marfan syndrome (MFS). Also called: MARFAN SYNDROME, TYPE I; Marfan syndrome type 1; Marfan's syndrome; Marfan syndrome, classic; FBN1-Related Marfan Syndrome. Identifiers: Orphanet 284963, Orphanet 558, MedGen C0024796, MONDO:0007947, OMIM 154700.

Submission:

All of Us Research Program, National Institutes of Health
Classification: Uncertain significance for Marfan syndrome. Last evaluated: 2023-08-15. Review status: criteria provided, single submitter. Criteria: ACMG Guidelines, 2015. Collection method: clinical testing. Allele origin: germline. Inheritance: Autosomal dominant inheritance. Observed: 1 variant allele, 1 heterozygote.
Comment: This study involves interpretation of variants in research participants for the purpose of population health screening. Participant phenotype was not available at the time of variant classification. Additional details can be found in publication PMID: 35346344, PMCID: PMC8962531